The following is an entry in ClinVar:

ClinVar aggregate classification (germline): Uncertain significance (1 of 4 stars; one submission).

Conditions:
RYR1-related disorder. Also called: RYR1-related condition; RYR1-related disorders. Identifiers: MedGen CN239331.

Allele frequency attached by ClinVar (database versions not stated): ExAC below 0.00001; TOPMed below 0.00001; gnomAD 0.00001; gnomAD exomes 0.00001.
gnomAD v4.1: 12 of 1,524,730 alleles (0.00079%); highest among the groups gnomAD compares: Non-Finnish European, 0.00088%; no homozygotes.

Submission:

Labcorp Genetics (formerly Invitae), Labcorp
Classification: Uncertain significance for RYR1-related disorder. Last evaluated: 2025-08-21. Review status: criteria provided, single submitter. Criteria: Invitae Variant Classification Sherloc (09022015). Collection method: clinical testing. Allele origin: germline.
Comment: This sequence change replaces alanine, which is neutral and non-polar, with glycine, which is neutral and non-polar, at codon 4268 of the RYR1 protein (p.Ala4268Gly). This variant is present in population databases (rs774887304, gnomAD no frequency). This variant has not been reported in the literature in individuals affected with RYR1-related conditions. ClinVar contains an entry for this variant (Variation ID: 1001120). Invitae Evidence Modeling of protein sequence and biophysical properties (such as structural, functional, and spatial information, amino acid conservation, physicochemical variation, residue mobility, and thermodynamic stability) indicates that this missense variant is not expected to disrupt RYR1 protein function with a negative predictive value of 80%. In summary, the available evidence is currently insufficient to determine the role of this variant in disease. Therefore, it has been classified as a Variant of Uncertain Significance.

NM_000540.3(RYR1):c.12803C>G (p.Ala4268Gly)

Gene: RYR1 (ryanodine receptor 1; plus strand). Cytogenetic location: 19q13.2.
Variant type: single nucleotide variant.
Coding change: c.12803C>G on transcript NM_000540.3 (MANE Select); coding-DNA position 12803, C replaced by G.
Protein change: p.Ala4268Gly; replaces alanine 4268 with glycine.
Molecular consequence: missense variant.
Genome position (GRCh38, 1-based): chr19:38,565,137, C>G. VCF-style: chr19-38565137-C-G. GRCh37 (hg19) VCF-style: chr19-39055777-C-G.
Other names: c.12788C>G, p.Ala4263Gly (NM_001042723.2); short protein forms A4263G, A4268G.
Identifiers: ClinVar variation 1001120 (VCV001001120.5), dbSNP rs774887304, ClinGen allele CA059443.